The following is an entry in ClinVar:

ClinVar aggregate classification (germline): Uncertain significance. Review status: criteria provided, multiple submitters, no conflicts (2 of 4 stars). 3 submissions from 3 submitters: Uncertain significance (3). Last evaluated 2024-08-07.

Allele frequency attached by ClinVar (database versions not stated): gnomAD 0.00001; gnomAD exomes 0.00001 and 0.00002; TOPMed 0.00002; ESP Exome Variant Server 0.00008.

Submissions (3):

Labcorp Genetics (formerly Invitae), Labcorp
Classification: Uncertain significance. Last evaluated: 2024-08-07. Review status: criteria provided, single submitter. Criteria: Invitae Variant Classification Sherloc (09022015). Collection method: clinical testing. Allele origin: germline.
Comment: This sequence change replaces proline, which is neutral and non-polar, with serine, which is neutral and polar, at codon 154 of the COL9A2 protein (p.Pro154Ser). This variant is present in population databases (rs375685025, gnomAD 0.003%). This variant has not been reported in the literature in individuals affected with COL9A2-related conditions. ClinVar contains an entry for this variant (Variation ID: 1195076). Advanced modeling of protein sequence and biophysical properties (such as structural, functional, and spatial information, amino acid conservation, physicochemical variation, residue mobility, and thermodynamic stability) performed at Invitae indicates that this missense variant is not expected to disrupt COL9A2 protein function with a negative predictive value of 95%. In summary, the available evidence is currently insufficient to determine the role of this variant in disease. Therefore, it has been classified as a Variant of Uncertain Significance.

GeneDx
Classification: Uncertain significance. Last evaluated: 2024-05-02. Review status: criteria provided, single submitter. Criteria: GeneDx Variant Classification Process June 2021. Collection method: clinical testing. Allele origin: germline. Affected: yes.
Comment: Has not been previously published as pathogenic or benign to our knowledge; Not observed at significant frequency in large population cohorts (gnomAD); In silico analysis indicates that this missense variant does not alter protein structure/function

Blueprint Genetics
Classification: Uncertain significance. Last evaluated: 2022-11-23. Review status: criteria provided, single submitter. Criteria: ACMG Guidelines, 2015. Collection method: clinical testing. Allele origin: germline.

NM_001852.4(COL9A2):c.460C>T (p.Pro154Ser)

Gene: COL9A2 (collagen type IX alpha 2 chain; minus strand). Cytogenetic location: 1p34.2.
Variant type: single nucleotide variant.
Coding change: c.460C>T on transcript NM_001852.4 (MANE Select); coding-DNA position 460, C replaced by T.
Protein change: p.Pro154Ser; replaces proline 154 with serine.
Molecular consequence: missense variant.
Genome position (GRCh38, 1-based): chr1:40,311,673, G>A on the plus strand (C>T on the coding strand, the complement: COL9A2 is on the minus strand). VCF-style: chr1-40311673-G-A. GRCh37 (hg19) VCF-style: chr1-40777345-G-A.
Other names: short protein forms P154S.
Identifiers: ClinVar variation 1195076 (VCV001195076.13), dbSNP rs375685025, ClinGen allele CA21042043.